The following is an entry in ClinVar:

NM_001256007.3(PNPLA8):c.935A>T (p.Lys312Ile)

Gene: PNPLA8 (patatin like domain 8, phospholipase A2; minus strand). Cytogenetic location: 7q31.1.
Variant type: single nucleotide variant.
Coding change: c.935A>T on transcript NM_001256007.3 (MANE Select); coding-DNA position 935, A replaced by T.
Protein change: p.Lys312Ile; replaces lysine 312 with isoleucine.
Molecular consequence: missense variant.
Genome position (GRCh38, 1-based): chr7:108,514,557, T>A on the plus strand (A>T on the coding strand, the complement: PNPLA8 is on the minus strand). VCF-style: chr7-108514557-T-A. GRCh37 (hg19) VCF-style: chr7-108155001-T-A.
Other names: c.935A>T, p.Lys312Ile (NM_001256008.3, NM_001256009.3, NM_015723.5); c.635A>T, p.Lys212Ile (NM_001256010.3, NM_001256011.3); short protein forms K212I, K312I.
Identifiers: ClinVar variation 3606963 (VCV003606963.2).
Genomic context (GRCh38, chr7:108,514,557, plus strand): 5'-TGATCAGTTTTAGCAGGCTCTTCCTGTTCTTCTGACTGACTCTTTGAATCATACTTTAAT[T>A]TGGGGACAAGTCCACCAATATAACCACCTACTAAAGCTTGTACACCTTCCGTGGGACGAG-3'
Protein context (NP_001242936.1, residues 302-322): VGGYIGGLVP[Lys312Ile]LKYDSKSQSE

ClinVar aggregate classification (germline): Uncertain significance (1 of 4 stars; one submission).

gnomAD v4.1: 7 of 1,614,068 alleles (0.00043%); highest among the groups gnomAD compares: Non-Finnish European, 0.00059%; no homozygotes.

Submission:

Labcorp Genetics (formerly Invitae), Labcorp
Classification: Uncertain significance. Last evaluated: 2024-07-23. Review status: criteria provided, single submitter. Criteria: Invitae Variant Classification Sherloc (09022015). Collection method: clinical testing. Allele origin: germline.
Comment: This sequence change replaces lysine, which is basic and polar, with isoleucine, which is neutral and non-polar, at codon 312 of the PNPLA8 protein (p.Lys312Ile). This variant is present in population databases (rs745312087, gnomAD 0.0009%). This variant has not been reported in the literature in individuals affected with PNPLA8-related conditions. An algorithm developed to predict the effect of missense changes on protein structure and function (PolyPhen-2) suggests that this variant is likely to be disruptive. In summary, the available evidence is currently insufficient to determine the role of this variant in disease. Therefore, it has been classified as a Variant of Uncertain Significance.